The following is an entry in ClinVar:

ClinVar aggregate classification (germline): Uncertain significance (1 of 4 stars; one submission).

Conditions:
Congenital myasthenic syndrome (CMS). Also called: Congenital Myasthenic Syndromes. Identifiers: Orphanet 590, MedGen C0751882, MeSH D020294, MONDO:0018940.

Submission:

Illumina Laboratory Services, Illumina
Classification: Uncertain significance for Congenital myasthenic syndrome. Last evaluated: 2021-09-19. Review status: criteria provided, single submitter. Criteria: ICSLVariantClassificationCriteria RUGD 01 April 2020. Collection method: clinical testing. Allele origin: unknown.
Comment: The CHRNE c.985T>C (p.Ser329Pro) variant is a missense variant. A literature search was performed for the gene, cDNA change, and amino acid change. No publications were found based on this search. This variant is not found in the Genome Aggregation Database, version 2.1.1 or version 3.1.1, and is in a region of good sequence coverage, so the variant is presumed to be rare. Based on the limited evidence, the p.Ser329Pro variant is classified as a variant of uncertain significance for congenital myasthenic syndrome.

NM_000080.4(CHRNE):c.985T>C (p.Ser329Pro)

Gene: CHRNE (cholinergic receptor nicotinic epsilon subunit; minus strand). Cytogenetic location: 17p13.2.
Variant type: single nucleotide variant.
Coding change: c.985T>C on transcript NM_000080.4 (MANE Select); coding-DNA position 985, T replaced by C.
Protein change: p.Ser329Pro; replaces serine 329 with proline.
Molecular consequence: missense variant.
Genome position (GRCh38, 1-based): chr17:4,899,515, A>G on the plus strand (T>C on the coding strand, the complement: CHRNE is on the minus strand). VCF-style: chr17-4899515-A-G. GRCh37 (hg19) VCF-style: chr17-4802810-A-G.
Other names: short protein forms S329P.
Identifiers: ClinVar variation 1328152 (VCV001328152.4), dbSNP rs2151095207, ClinGen allele CA397300915.